The following is an entry in ClinVar:

NM_001375567.1(FOCAD):c.4729-13_4729-5dup

Gene: FOCAD (focadhesin; plus strand). Cytogenetic location: 9p21.3.
Variant type: Duplication.
Coding change: c.4729-13_4729-5dup on transcript NM_001375567.1 (MANE Select); 13 bases into the intron before coding-DNA position 4729 through 5 bases into the intron before coding-DNA position 4729, 9 bases duplicated (TTTTTTTTT; older notation c.4729-13_4729-5dupTTTTTTTTT).
Molecular consequence: intron variant.
Genome position (GRCh38, 1-based): chr9:20,986,275-20,986,283, TTTTTTTTT duplicated; duplicating any 9 consecutive bases within chr9:20,986,267-20,986,283 gives the same sequence; the c. name uses the placement nearest the transcript's 3' end. VCF-style (leftmost placement, unchanged base first): chr9-20986266-A-ATTTTTTTTT. GRCh37 (hg19) VCF-style: chr9-20986265-A-ATTTTTTTTT.
Other names: c.4729-13_4729-5dup (NM_017794.5); c.4624-13_4624-5dup (NM_001375568.1, NM_001375570.1).
Identifiers: ClinVar variation 3034857 (VCV003034857.2), dbSNP rs545976303, ClinGen allele CA862073100.
Genomic context (GRCh38, chr9:20,986,266, plus strand): 5'-TGTTTTGCCCTTGCCCTGAAATTCTGTAGCTACTTCAGTTAATTTAATAGTAACTAAACA[A>ATTTTTTTTT]TTTTTTTTTTTTTTTTTGCAGAGCAACATAGAAAAAGCTGCCTTTGTCAAACTGTACTTA-3'

ClinVar aggregate classification (germline): Likely benign (0 of 4 stars; one submission).

Conditions:
FOCAD-related disorder. Also called: FOCAD-related condition.

Submission:

PreventionGenetics, part of Exact Sciences
Classification: Likely benign for FOCAD-related condition. Last evaluated: 2022-10-12. Review status: no assertion criteria provided. Collection method: clinical testing. Allele origin: germline.
Comment: This variant is classified as likely benign based on ACMG/AMP sequence variant interpretation guidelines (Richards et al. 2015 PMID: 25741868, with internal and published modifications).